The following is an entry in ClinVar:

NM_001848.3(COL6A1):c.1603G>A (p.Gly535Arg)

Gene: COL6A1 (collagen type VI alpha 1 chain; plus strand). Cytogenetic location: 21q22.3.
Variant type: single nucleotide variant.
Coding change: c.1603G>A on transcript NM_001848.3 (MANE Select); coding-DNA position 1603, G replaced by A.
Protein change: p.Gly535Arg; replaces glycine 535 with arginine.
Molecular consequence: missense variant.
Genome position (GRCh38, 1-based): chr21:45,998,425, G>A. VCF-style: chr21-45998425-G-A. GRCh37 (hg19) VCF-style: chr21-47418339-G-A.
Other names: short protein forms G535R.
Identifiers: ClinVar variation 283692 (VCV000283692.18), dbSNP rs764556767, ClinGen allele CA10070437.

ClinVar aggregate classification (germline): Conflicting classifications of pathogenicity. Review status: criteria provided, conflicting classifications (1 of 4 stars). 5 submissions from 5 submitters: Likely pathogenic (2); Uncertain significance (3). Last evaluated 2026-08-06.

Conditions:
Collagen 6-related myopathy. Identifiers: MedGen CN117976, MONDO:0100225.
Bethlem myopathy 1A. Also called: MYOPATHY, BENIGN CONGENITAL, WITH CONTRACTURES; Bethlem myopathy 1; Bethlem Muscular Dystrophy. Identifiers: Orphanet 610, MedGen CN029274, MONDO:0024530, OMIM 158810.

Allele frequency attached by ClinVar (database versions not stated): TOPMed below 0.00001.
gnomAD v4.1: 12 of 1,613,282 alleles (0.00074%); highest among the groups gnomAD compares: South Asian, 0.0011%; no homozygotes.

Submissions (5):

GeneDx
Classification: Likely pathogenic. Last evaluated: 2026-08-06. Review status: criteria provided, single submitter. Criteria: GeneDx Variant Classification Process June 2021. Collection method: clinical testing. Allele origin: germline.
Comment: Replaces the glycine in the canonical Gly-X-Y repeat of the triple helical domain and is expected to disrupt normal protein folding and function, which is an established mechanism of disease (HGMD); Not observed at significant frequency in large population cohorts (gnomAD); In silico analysis supports that this missense variant has a deleterious effect on protein structure/function; Has not been previously published as pathogenic or benign to our knowledge

Labcorp Genetics (formerly Invitae), Labcorp
Classification: Uncertain significance for Bethlem myopathy 1A. Last evaluated: 2025-07-30. Review status: criteria provided, single submitter. Criteria: Invitae Variant Classification Sherloc (09022015). Collection method: clinical testing. Allele origin: germline.
Comment: This sequence change replaces glycine, which is neutral and non-polar, with arginine, which is basic and polar, at codon 535 of the COL6A1 protein (p.Gly535Arg). This variant is present in population databases (rs764556767, gnomAD 0.0009%). This variant has not been reported in the literature in individuals affected with COL6A1-related conditions. ClinVar contains an entry for this variant (Variation ID: 283692). Invitae Evidence Modeling of protein sequence and biophysical properties (such as structural, functional, and spatial information, amino acid conservation, physicochemical variation, residue mobility, and thermodynamic stability) indicates that this missense variant is expected to disrupt COL6A1 protein function with a positive predictive value of 95%. This variant disrupts the triple helix domain of COL6A1. Glycine residues within the Gly-Xaa-Yaa repeats of the triple helix domain are required for the structure and stability of fibrillar collagens (PMID: 7695699, 8218237, 19344236). In COL6A1, variants at these glycine residues are significantly enriched in individuals with autosomal dominant disease (PMID: 15689448, 24038877) compared to the general population (ExAC). In summary, the available evidence is currently insufficient to determine the role of this variant in disease. Therefore, it has been classified as a Variant of Uncertain Significance.

Women's Health and Genetics/Laboratory Corporation of America, LabCorp
Classification: Uncertain significance. Last evaluated: 2023-11-21. Review status: criteria provided, single submitter. Criteria: LabCorp Variant Classification Summary - May 2015. Collection method: clinical testing. Allele origin: germline.
Comment: Variant summary: COL6A1 c.1603G>A (p.Gly535Arg) results in a non-conservative amino acid change located in the Collagen triple helix repeat (IPR008160) of the encoded protein sequence. Five of five in-silico tools predict a damaging effect of the variant on protein function. The variant allele was found at a frequency of 4e-06 in 250686 control chromosomes. The available data on variant occurrences in the general population are insufficient to allow any conclusion about variant significance. To our knowledge, no occurrence of c.1603G>A in individuals affected with Collagen Type VI-Related Disorders and no experimental evidence demonstrating its impact on protein function have been reported. Alterations of glycine residues within the collagen triple-helix are common mechanisms of disease, however evidence for critical amino acid of this variant is insufficient. Three submitters have cited clinical-significance assessments for this variant to ClinVar after 2014 (VUS, n=2; Like pathogenic, n=1). Based on the evidence outlined above, the variant was classified as uncertain significance.

Illumina Laboratory Services, Illumina
Classification: Uncertain significance for Collagen 6-related myopathy. Last evaluated: 2021-03-02. Review status: criteria provided, single submitter. Criteria: ICSLVariantClassificationCriteria RUGD 01 April 2020. Collection method: clinical testing. Allele origin: unknown.
Comment: The COL6A1 c.1603G>A (p.Gly535Arg) variant is a missense variant. A literature search was performed for the gene, cDNA change and amino acid change. No publications were found based on this search. The variant is reported at a frequency of 0.000009 in the European (non-Finnish) population from the Genome Aggregation Database, though this is based on one allele in a region of good sequencing coverage so the variant is presumed to be rare. The p.Gly535Arg variant is a glycine substitution in the triple helix domain of collagen VI. Glycine residues within the Gly-X-Y repeats of the triple helix domain are required for the structure and stability of fibrillar collagens, and glycine substitutions in this domain are the most commonly identified mutations in the collagen VI myopathies (Shoulders et al. 2009; Butterfield et al. 2013). Based on the limited evidence, the p.Gly535Arg variant is classified as a variant of uncertain significance for collagen type VI-related disorders.

Eurofins Ntd Llc (ga)
Classification: Likely pathogenic. Last evaluated: 2017-11-16. Review status: criteria provided, single submitter. Criteria: EGL Classification Definitions 2015. Collection method: clinical testing. Allele origin: germline. Observed: 3 variant alleles, 3 heterozygotes.

Literature cited by the submitters: PubMed 7695699 (cited by Labcorp Genetics (formerly Invitae), Labcorp); PubMed 8218237 (cited by Labcorp Genetics (formerly Invitae), Labcorp); PubMed 19344236 (cited by Labcorp Genetics (formerly Invitae), Labcorp and Illumina Laboratory Services, Illumina); PubMed 15689448 (cited by Labcorp Genetics (formerly Invitae), Labcorp); PubMed 24038877 (cited by Labcorp Genetics (formerly Invitae), Labcorp and Illumina Laboratory Services, Illumina).